The following is an entry in ClinVar:

ClinVar aggregate classification (germline): Pathogenic/Likely pathogenic. Review status: criteria provided, multiple submitters, no conflicts (2 of 4 stars). 28 submissions from 24 submitters: Pathogenic (17); Likely pathogenic (1). 10 of the submissions do not count toward it. Last evaluated 2026-05-01.

Conditions:
GLB1-related disorder. Also called: GLB1-related disorders. Identifiers: MedGen CN377807.
Inborn genetic diseases. Identifiers: MedGen C0950123, MeSH D030342.
GM1 gangliosidosis. Identifiers: Orphanet 354, MedGen C0085131, MONDO:0018149.
Mucopolysaccharidosis, MPS-IV-B (MPS4B). Also called: MORQUIO SYNDROME B; Mucopolysaccharidosis Type IVB (Morquio B Disease); Mucopolysaccharidosis Type IVB; Mucopolysaccharidosis type 4B; Mucopolysaccharidosis type IVB (Morquio); MPS IVB. Identifiers: Orphanet 309310, Orphanet 582, MedGen C0086652, MONDO:0009660, OMIM 253010.
GM1 gangliosidosis type 3. Also called: Beta-galactosidase deficiency; Adult GM1 gangliosidosis; Type 3 (adult) GM1 gangliosidosis; GM1-GANGLIOSIDOSIS, TYPE III; GANGLIOSIDOSIS, GENERALIZED GM1, ADULT TYPE; GANGLIOSIDOSIS, GENERALIZED GM1, CHRONIC TYPE. Identifiers: Orphanet 79257, MedGen C0268273, MONDO:0009262, OMIM 230650.
GM1 gangliosidosis type 2. Also called: Juvenile GM>1< gangliosidosis; GM1-GANGLIOSIDOSIS, TYPE II; GANGLIOSIDOSIS, GENERALIZED GM1, JUVENILE TYPE; GANGLIOSIDOSIS, GENERALIZED GM1, TYPE II; Gangliosidosis, Generalized GM1, Type 2. Identifiers: Orphanet 354, Orphanet 79256, MedGen C0268272, MONDO:0009261, OMIM 230600.
Infantile GM1 gangliosidosis. Also called: GM1-gangliosidosis, type I; Gangliosidosis, generalized GM1, infantile form; GLB1 deficiency; GM1 gangliosidosis type 1; Gangliosidosis, Generalized GM1, Type 1. Identifiers: Orphanet 354, Orphanet 79255, MedGen C0268271, MONDO:0009260, OMIM 230500.
GM1-gangliosidosis, type I, with cardiac involvement. Also called: GANGLIOSIDOSIS, GENERALIZED GM1, TYPE I, WITH CARDIAC INVOLVEMENT. Identifiers: MedGen C1968748.

Allele frequency attached by ClinVar (database versions not stated): TOPMed 0.00002; gnomAD exomes 0.00004; ExAC 0.00004.
gnomAD v4.1: 41 of 1,614,078 alleles (0.0025%); highest among the groups gnomAD compares: Admixed American, 0.005%; no homozygotes.

Submissions 1 to 12 of 28:

CeGaT Center for Human Genetics Tuebingen
Classification: Pathogenic. Last evaluated: 2026-05-01. Review status: criteria provided, single submitter. Criteria: CeGaT Center For Human Genetics Tuebingen Variant Classification Criteria Version 2. Collection method: clinical testing. Allele origin: germline. Affected: yes. Observed: 11 variant alleles.
Comment: GLB1: PM3:Very Strong, PM1, PM2, PM5, PP4:Moderate, PS3:Supporting

Labcorp Genetics (formerly Invitae), Labcorp
Classification: Pathogenic for Mucopolysaccharidosis, MPS-IV-B; GM1 gangliosidosis. Last evaluated: 2025-11-16. Review status: criteria provided, single submitter. Criteria: Invitae Variant Classification Sherloc (09022015). Collection method: clinical testing. Allele origin: germline.
Comment: This sequence change replaces arginine, which is basic and polar, with histidine, which is basic and polar, at codon 59 of the GLB1 protein (p.Arg59His). This variant is present in population databases (rs72555392, gnomAD 0.009%). This missense change has been observed in individuals with GM1 gangliosidosis (PMID: 10338095, 16941474, 17309651, 17664528). It has also been observed to segregate with disease in related individuals. ClinVar contains an entry for this variant (Variation ID: 945). Invitae Evidence Modeling of protein sequence and biophysical properties (such as structural, functional, and spatial information, amino acid conservation, physicochemical variation, residue mobility, and thermodynamic stability) indicates that this missense variant is expected to disrupt GLB1 protein function with a positive predictive value of 95%. Experimental studies have shown that this missense change affects GLB1 function (PMID: 17664528). For these reasons, this variant has been classified as Pathogenic.

First Genomix Gene Laboratory, Genetic Diagnostics Department
Classification: Pathogenic for Infantile GM1 gangliosidosis; GM1 gangliosidosis type 2; GM1 gangliosidosis type 3; Mucopolysaccharidosis, MPS-IV-B. Last evaluated: 2025-04-14. Review status: criteria provided, single submitter. Criteria: ACMG Guidelines, 2015. Collection method: clinical testing. Allele origin: germline. Inheritance: Autosomal recessive inheritance. Affected: no. Observed: 1 variant allele.

Natera, Inc.
Classification: Pathogenic for Mucopolysaccharidosis, MPS-IV-B. Last evaluated: 2025-04-08. Review status: criteria provided, single submitter. Criteria: Natera Variant Classification Schema (03/2026). Collection method: clinical testing. Allele origin: germline.
Comment: The c.176G>A variant in GLB1 is a missense variant predicted to cause substitution of arginine to histidine at amino acid 59. This variant is rare in the general population with a frequency below the threshold expected for the associated phenotype(s). This variant has been observed in one or more individuals affected with the associated recessive disease, as either homozygous or compound heterozygous with a second variant (PMID: 31497487, 28939701, 10737981). Additionally, this variant has been observed to segregate in affected family members (PMID: 10737981). Computational prediction algorithms indicate this variant is likely to affect gene or protein function. Given the available evidence, this variant is classified as Pathogenic.

Blueprint Genetics
Classification: Pathogenic for GLB1-related disorders. Last evaluated: 2024-11-08. Review status: criteria provided, single submitter. Criteria: ACMG Guidelines, 2015. Collection method: clinical testing. Allele origin: germline. Affected: yes. Observed: 5 variant alleles.

Revvity Omics, Revvity
Classification: Pathogenic. Last evaluated: 2022-03-29. Review status: criteria provided, single submitter. Criteria: ACMG Guidelines, 2015. Collection method: clinical testing. Allele origin: germline.

Dasa
Classification: Pathogenic for GLB1-related disorder. Last evaluated: 2022-01-05. Review status: criteria provided, single submitter. Criteria: ACMG Guidelines, 2015. Collection method: clinical testing. Allele origin: germline. Affected: yes. Observed: 1 variant allele.
Comment: The c.176G>A;p.(Arg59His) missense variant has been observed in affected individual(s) and ClinVar contains an entry for this variant (Clinvar ID: 945; PMID: 10338095; 21637542; 17309651; 16941474; 10737981) - PS4. Well-established in vitro or in vivo functional studies support a damaging effect on the gene or gene product (PMID: 17664528; 15714521; 31776384) - PS3_moderate. The variant is present at low allele frequencies population databases (rs72555392– gnomAD 0.0003607%; ABraOM 0.000427 frequency) - PM2_supporting. The p.(Arg59His) was detected in trans with a pathogenic variant (PMID: 10338095; 17309651; 16941474; 10737981) - PM3_very strong Multiple lines of computational evidence support a deleterious effect on the gene or gene product - PP3. In summary, the currently available evidence indicates that the variant is pathogenic.

GeneDx
Classification: Pathogenic. Last evaluated: 2021-11-11. Review status: criteria provided, single submitter. Criteria: GeneDx Variant Classification Process June 2021. Collection method: clinical testing. Allele origin: germline. Affected: yes.
Comment: Functional studies in COS-1 cells found that this variant is associated with no residual enzyme activity (Caciotti et al., 2005; Santamaria et al., 2007); In silico analysis, which includes protein predictors and evolutionary conservation, supports a deleterious effect; Not observed at a significant frequency in large population cohorts (gnomAD); This variant is associated with the following publications: (PMID: 17664528, 10338095, 15714521, 28939701, 10737981, 16466959, 16941474, 31761138, 31216405, 32036093, 33726816)

Fulgent Genetics
Classification: Pathogenic for Infantile GM1 gangliosidosis; GM1 gangliosidosis type 2; GM1 gangliosidosis type 3; Mucopolysaccharidosis, MPS-IV-B. Last evaluated: 2021-08-07. Review status: criteria provided, single submitter. Criteria: ACMG Guidelines, 2015. Collection method: clinical testing. Allele origin: unknown.

Laboratorio de Genetica e Diagnostico Molecular, Hospital Israelita Albert Einstein
Classification: Pathogenic for Infantile GM1 gangliosidosis. Last evaluated: 2021-07-27. Review status: criteria provided, single submitter. Criteria: ACMG Guidelines, 2015. Collection method: clinical testing. Allele origin: germline. Affected: yes.
Comment: ACMG classification criteria: PS3 supporting, PS4 strong, PM2 moderate, PM3 very strong, PP3 supporting, PP4 supporting

MGZ Medical Genetics Center
Classification: Pathogenic for Infantile GM1 gangliosidosis. Last evaluated: 2021-07-23. Review status: criteria provided, single submitter. Criteria: ACMG Guidelines, 2015. Collection method: clinical testing. Allele origin: germline. Affected: yes. Observed: 1 variant allele.
Comment: ACMG criteria applied: PS3, PS4, PM2_SUP, PP2, PP3

Ambry Genetics
Classification: Pathogenic for Inborn genetic diseases. Last evaluated: 2021-06-04. Review status: criteria provided, single submitter. Criteria: Ambry Variant Classification Scheme 2023. Collection method: clinical testing. Allele origin: germline.
Comment: The c.176G>A (p.R59H) alteration is located in exon 2 (coding exon 2) of the GLB1 gene. This alteration results from a G to A substitution at nucleotide position 176, causing the arginine (R) at amino acid position 59 to be replaced by a histidine (H). Based on data from the Genome Aggregation Database (gnomAD) database, the GLB1 c.176G>A alteration was observed in 0.0036% (9/249484) of total alleles studied, with a frequency of 0.0087% (3/34526) in the Latino subpopulation. This alteration has been identified in the homozygous state or compound heterozygous with a second GLB1 variant in many patients with infantile (type I) GM1-gangliosidosis (Higaki, 2011; Morrone, 2000; Santamaria, 2006; Santamaria, 2007a; Silva, 1999). This alteration has also been observed with a second GLB1 variant in two patients with the adult form (type III) of GM1 gangliosidosis (Giugliani, 2019). This amino acid position is highly conserved in available vertebrate species. Expression studies have shown this variant is associated with no residual GLB1 enzyme activity (Caciotti, 2005; Santamaria, 2007b). The p.R59H alteration is predicted to be deleterious by in silico analysis. Based on the available evidence, this alteration is classified as pathogenic.

NM_000404.4(GLB1):c.176G>A (p.Arg59His)

Gene: GLB1 (galactosidase beta 1; minus strand). Cytogenetic location: 3p22.3.
Variant type: single nucleotide variant.
Coding change: c.176G>A on transcript NM_000404.4 (MANE Select); coding-DNA position 176, G replaced by A.
Protein change: p.Arg59His; replaces arginine 59 with histidine.
Molecular consequence: missense variant.
Genome position (GRCh38, 1-based): chr3:33,072,613, C>T on the plus strand (G>A on the coding strand, the complement: GLB1 is on the minus strand). VCF-style: chr3-33072613-C-T. GRCh37 (hg19) VCF-style: chr3-33114105-C-T.
Other names: c.86G>A, p.Arg29His (NM_001079811.3); c.176G>A, p.Arg59His (NM_001135602.3, NM_001393580.1); c.320G>A, p.Arg107His (NM_001317040.2); c.176G>A (NM_000404.3); short protein forms R59H, R107H, R29H.
Identifiers: ClinVar variation 945 (VCV000000945.83), dbSNP rs72555392, ClinGen allele CA114666.